The following is an entry in ClinVar:

NM_003467.3(CXCR4):c.518T>C (p.Ile173Thr)

Gene: CXCR4 (C-X-C motif chemokine receptor 4; minus strand). Cytogenetic location: 2q22.1.
Variant type: single nucleotide variant.
Coding change: c.518T>C on transcript NM_003467.3 (MANE Select); coding-DNA position 518, T replaced by C.
Protein change: p.Ile173Thr; replaces isoleucine 173 with threonine.
Molecular consequence: missense variant.
Genome position (GRCh38, 1-based): chr2:136,115,410, A>G on the plus strand (T>C on the coding strand, the complement: CXCR4 is on the minus strand). VCF-style: chr2-136115410-A-G. GRCh37 (hg19) VCF-style: chr2-136872980-A-G.
Other names: c.530T>C, p.Ile177Thr (NM_001008540.2); c.731T>C, p.Ile244Thr (NM_001348056.2); c.617T>C, p.Ile206Thr (NM_001348059.2); c.473T>C, p.Ile158Thr (NM_001348060.2); short protein forms I173T, I177T, I158T, I206T, I244T.
Identifiers: ClinVar variation 2828020 (VCV002828020.3), dbSNP rs2467265013, ClinGen allele CA348658651.

ClinVar aggregate classification (germline): Uncertain significance (1 of 4 stars; one submission).

Conditions:
Warts, hypogammaglobulinemia, infections, and myelokathexis. Also called: WHIM syndrome. Identifiers: MedGen C0472817, MONDO:0023880.

Submission:

Labcorp Genetics (formerly Invitae), Labcorp
Classification: Uncertain significance for Warts, hypogammaglobulinemia, infections, and myelokathexis. Last evaluated: 2023-01-13. Review status: criteria provided, single submitter. Criteria: Invitae Variant Classification Sherloc (09022015). Collection method: clinical testing. Allele origin: germline.
Comment: In summary, the available evidence is currently insufficient to determine the role of this variant in disease. Therefore, it has been classified as a Variant of Uncertain Significance. Algorithms developed to predict the effect of missense changes on protein structure and function (SIFT, PolyPhen-2, Align-GVGD) all suggest that this variant is likely to be disruptive. This variant has not been reported in the literature in individuals affected with CXCR4-related conditions. This variant is not present in population databases (gnomAD no frequency). This sequence change replaces isoleucine, which is neutral and non-polar, with threonine, which is neutral and polar, at codon 173 of the CXCR4 protein (p.Ile173Thr).